The following is an entry in ClinVar:

ClinVar aggregate classification (germline): Uncertain significance (1 of 4 stars; one submission).

Submission:

Labcorp Genetics (formerly Invitae), Labcorp
Classification: Uncertain significance. Last evaluated: 2023-02-07. Review status: criteria provided, single submitter. Criteria: Invitae Variant Classification Sherloc (09022015). Collection method: clinical testing. Allele origin: unknown.
Comment: Experimental studies and prediction algorithms are not available or were not evaluated, and the functional significance of this variant is currently unknown. This variant is a gross deletion of the genomic region encompassing exon(s) 14-15 of the EPB41 gene. This variant would be expected to be in-frame, preserving the integrity of the reading frame. This variant has not been reported in the literature in individuals affected with EPB41-related conditions. In summary, the available evidence is currently insufficient to determine the role of this variant in disease. Therefore, it has been classified as a Variant of Uncertain Significance.

NC_000001.10:g.(?_29385081)_(29391690_?)del

Gene: EPB41 (erythrocyte membrane protein band 4.1; plus strand). Cytogenetic location: 1p35.3.
Variant type: Deletion.
Identifiers: ClinVar variation 3247963 (VCV003247963.1).